The following is an entry in ClinVar:

NM_001164462.2(MUC12):c.2325C>T (p.Asp775=)

Gene: MUC12 (mucin 12, cell surface associated; plus strand). Cytogenetic location: 7q22.1.
Variant type: single nucleotide variant.
Coding change: c.2325C>T on transcript NM_001164462.2 (MANE Select); coding-DNA position 2325, C replaced by T.
Protein change: p.Asp775=; no amino-acid change (aspartic acid 775 retained).
Molecular consequence: synonymous variant.
Genome position (GRCh38, 1-based): chr7:100,992,888, C>T. VCF-style: chr7-100992888-C-T. GRCh37 (hg19) VCF-style: chr7-100636169-C-T.
Identifiers: ClinVar variation 2657804 (VCV002657804.24), dbSNP rs201532225, ClinGen allele CA4399312.

ClinVar aggregate classification (germline): Likely benign (1 of 4 stars; one submission).

Allele frequency attached by ClinVar (database versions not stated): gnomAD exomes 0.00090; gnomAD 0.00104; 1000 Genomes Project 30x 0.00265.

Submission:

CeGaT Center for Human Genetics Tuebingen
Classification: Likely benign. Last evaluated: 2024-07-01. Review status: criteria provided, single submitter. Criteria: CeGaT Center For Human Genetics Tuebingen Variant Classification Criteria Version 2. Collection method: clinical testing. Allele origin: germline. Affected: yes. Observed: 2 variant alleles.
Comment: MUC12: BP4, BP7